The following is an entry in ClinVar:

NM_002087.4(GRN):c.1179+3A>G

Gene: GRN (granulin precursor; plus strand). Cytogenetic location: 17q21.31.
Variant type: single nucleotide variant.
Coding change: c.1179+3A>G on transcript NM_002087.4 (MANE Select); 3 bases into the intron after coding-DNA position 1179, A replaced by G.
Molecular consequence: intron variant.
Genome position (GRCh38, 1-based): chr17:44,351,798, A>G. VCF-style: chr17-44351798-A-G. GRCh37 (hg19) VCF-style: chr17-42429166-A-G.
Identifiers: ClinVar variation 2927226 (VCV002927226.3), dbSNP rs2510057451, ClinGen allele CA2695226236.

ClinVar aggregate classification (germline): Pathogenic (1 of 4 stars; one submission).

Conditions:
GRN-related frontotemporal lobar degeneration with Tdp43 inclusions (FTD2). Also called: GRN Frontotemporal Dementia; FRONTOTEMPORAL DEMENTIA WITH TDP43 INCLUSIONS, GRN-RELATED; DEMENTIA, HEREDITARY DYSPHASIC DISINHIBITION; FRONTOTEMPORAL LOBAR DEGENERATION WITH UBIQUITIN-POSITIVE INCLUSIONS; FTLD-TDP, GRN-RELATED. Identifiers: Orphanet 100070, Orphanet 282, MedGen C1843792, MONDO:0011842, OMIM 607485. Disease mechanism: loss of function.
Neuronal ceroid lipofuscinosis 11. Also called: GRN-Related Neuronal Ceroid-Lipofuscinosis. Identifiers: Orphanet 314629, Orphanet 79262, MedGen C3539123, MONDO:0013866, OMIM 614706.

Submission:

Labcorp Genetics (formerly Invitae), Labcorp
Classification: Pathogenic for Neuronal ceroid lipofuscinosis 11; GRN-related frontotemporal lobar degeneration with Tdp43 inclusions. Last evaluated: 2024-11-26. Review status: criteria provided, single submitter. Criteria: Invitae Variant Classification Sherloc (09022015). Collection method: clinical testing. Allele origin: germline.
Comment: This sequence change falls in intron 10 of the GRN gene. It does not directly change the encoded amino acid sequence of the GRN protein. RNA analysis indicates that this variant induces altered splicing and may result in an absent or altered protein product. This variant is not present in population databases (gnomAD no frequency). This variant has been observed in individuals with behavioral variant of frontotemporal dementia, corticobasal syndrome or nonfluent primary progressive aphasia (PMID: 29525180, 32507413). It has also been observed to segregate with disease in related individuals. ClinVar contains an entry for this variant (Variation ID: 2927226). Variants that disrupt the consensus splice site are a relatively common cause of aberrant splicing (PMID: 17576681, 9536098). Studies have shown that this variant results in retention of intron 10, and produces a non-functional protein and/or introduces a premature termination codon (PMID: 32507413). For these reasons, this variant has been classified as Pathogenic.

Literature cited by the submitters: PubMed 29525180; PubMed 32507413; PubMed 17576681; PubMed 9536098.